The following is an entry in ClinVar:

ClinVar aggregate classification (germline): Likely benign (1 of 4 stars; one submission).

gnomAD v4.1: 46 of 1,613,158 alleles (0.0029%); highest among the groups gnomAD compares: Admixed American, 0.067%; no homozygotes.

Submission:

CeGaT Center for Human Genetics Tuebingen
Classification: Likely benign. Last evaluated: 2026-05-01. Review status: criteria provided, single submitter. Criteria: CeGaT Center For Human Genetics Tuebingen Variant Classification Criteria Version 2. Collection method: clinical testing. Allele origin: germline. Affected: yes. Observed: 1 variant allele.
Comment: NPAP1: BP4, BP7

NM_018958.3(NPAP1):c.970A>C (p.Arg324=)

Gene: NPAP1 (nuclear pore associated protein 1; plus strand). Cytogenetic location: 15q11.2.
Variant type: single nucleotide variant.
Coding change: c.970A>C on transcript NM_018958.3 (MANE Select); coding-DNA position 970, A replaced by C.
Protein change: p.Arg324=; no amino-acid change (arginine 324 retained).
Molecular consequence: synonymous variant.
Genome position (GRCh38, 1-based): chr15:24,676,837, A>C. VCF-style: chr15-24676837-A-C. GRCh37 (hg19) VCF-style: chr15-24921984-A-C.
Identifiers: ClinVar variation 4872631 (VCV004872631.2).